The following is an entry in ClinVar:

ClinVar aggregate classification (germline): Uncertain significance (1 of 4 stars; one submission).

gnomAD v4.1: 5 of 1,613,984 alleles (0.00031%); highest among the groups gnomAD compares: East Asian, 0.011%; no homozygotes.

Submission:

Ambry Genetics
Classification: Uncertain significance. Last evaluated: 2025-12-20. Review status: criteria provided, single submitter. Criteria: Ambry Variant Classification Scheme 2023. Collection method: clinical testing. Allele origin: germline.
Comment: The p.D162V variant (also known as c.485A>T), located in coding exon 1 of the TET2 gene, results from an A to T substitution at nucleotide position 485. The aspartic acid at codon 162 is replaced by valine, an amino acid with highly dissimilar properties. This amino acid position is conserved. In addition, this alteration is predicted to be tolerated by in silico analysis. Based on the available evidence, the clinical significance of this variant remains unclear.

NM_001127208.3(TET2):c.485A>T (p.Asp162Val)

Genes: TET2 (tet methylcytosine dioxygenase 2; plus strand), TET2-AS1 (TET2 antisense RNA 1; minus strand). Cytogenetic location: 4q24.
Variant type: single nucleotide variant.
Coding change: c.485A>T on transcript NM_001127208.3 (MANE Select); coding-DNA position 485, A replaced by T.
Protein change: p.Asp162Val; replaces aspartic acid 162 with valine.
Molecular consequence: missense variant.
Genome position (GRCh38, 1-based): chr4:105,234,427, A>T. VCF-style: chr4-105234427-A-T. GRCh37 (hg19) VCF-style: chr4-106155584-A-T.
Other names: c.485A>T, p.Asp162Val (NM_017628.4); short protein forms D162V.
Identifiers: ClinVar variation 4843482 (VCV004843482.1).